The following is an entry in ClinVar:

ClinVar aggregate classification (germline): Uncertain significance (1 of 4 stars; one submission).

Allele frequency attached by ClinVar (database versions not stated): gnomAD exomes below 0.00001; TOPMed below 0.00001; ExAC 0.00001.
gnomAD v4.1: 3 of 1,614,118 alleles (0.00019%); highest among the groups gnomAD compares: East Asian, 0.0022%; no homozygotes.

Submission:

Labcorp Genetics (formerly Invitae), Labcorp
Classification: Uncertain significance. Last evaluated: 2025-08-15. Review status: criteria provided, single submitter. Criteria: Invitae Variant Classification Sherloc (09022015). Collection method: clinical testing. Allele origin: germline.
Comment: This sequence change falls in intron 13 of the ANKZF1 gene. It does not directly change the encoded amino acid sequence of the ANKZF1 protein. It affects a nucleotide within the consensus splice site. This variant is present in population databases (rs775465043, gnomAD 0.01%). This variant has not been reported in the literature in individuals affected with ANKZF1-related conditions. ClinVar contains an entry for this variant (Variation ID: 1933838). Variants that disrupt the consensus splice site are a relatively common cause of aberrant splicing (PMID: 17576681, 9536098). Algorithms developed to predict the effect of sequence changes on RNA splicing suggest that this variant is not likely to affect RNA splicing. In summary, the available evidence is currently insufficient to determine the role of this variant in disease. Therefore, it has been classified as a Variant of Uncertain Significance.

Literature cited by the submitters: PubMed 17576681; PubMed 9536098.

NM_018089.3(ANKZF1):c.2057+4T>C

Gene: ANKZF1 (ankyrin repeat and zinc finger peptidyl tRNA hydrolase 1; plus strand). Cytogenetic location: 2q35.
Variant type: single nucleotide variant.
Coding change: c.2057+4T>C on transcript NM_018089.3 (MANE Select); 4 bases into the intron after coding-DNA position 2057, T replaced by C.
Molecular consequence: intron variant.
Genome position (GRCh38, 1-based): chr2:219,236,099, T>C. VCF-style: chr2-219236099-T-C. GRCh37 (hg19) VCF-style: chr2-220100821-T-C.
Other names: c.2057+4T>C (NM_001042410.2); c.1427+4T>C (NM_001282792.2).
Identifiers: ClinVar variation 1933838 (VCV001933838.5), dbSNP rs775465043, ClinGen allele CA2121290.